The following is an entry in ClinVar:

NM_007129.5(ZIC2):c.841C>T (p.His281Tyr)

Gene: ZIC2 (Zic family zinc finger 2; plus strand). Cytogenetic location: 13q32.3.
Variant type: single nucleotide variant.
Coding change: c.841C>T on transcript NM_007129.5 (MANE Select); coding-DNA position 841, C replaced by T.
Protein change: p.His281Tyr; replaces histidine 281 with tyrosine.
Molecular consequence: missense variant.
Genome position (GRCh38, 1-based): chr13:99,982,905, C>T. VCF-style: chr13-99982905-C-T. GRCh37 (hg19) VCF-style: chr13-100635159-C-T.
Other names: short protein forms H281Y.
Identifiers: ClinVar variation 2701787 (VCV002701787.3), dbSNP rs2501544887, ClinGen allele CA388638205.

ClinVar aggregate classification (germline): Uncertain significance (1 of 4 stars; one submission).

Conditions:
Holoprosencephaly 5 (HPE5). Identifiers: Orphanet 2162, MedGen C1864827, MONDO:0012322, OMIM 609637.

Submission:

Labcorp Genetics (formerly Invitae), Labcorp
Classification: Uncertain significance for Holoprosencephaly 5. Last evaluated: 2024-03-11. Review status: criteria provided, single submitter. Criteria: Invitae Variant Classification Sherloc (09022015). Collection method: clinical testing. Allele origin: germline.
Comment: This sequence change replaces histidine, which is basic and polar, with tyrosine, which is neutral and polar, at codon 281 of the ZIC2 protein (p.His281Tyr). This variant is not present in population databases (gnomAD no frequency). This variant has not been reported in the literature in individuals affected with ZIC2-related conditions. Advanced modeling of protein sequence and biophysical properties (such as structural, functional, and spatial information, amino acid conservation, physicochemical variation, residue mobility, and thermodynamic stability) performed at Invitae indicates that this missense variant is not expected to disrupt ZIC2 protein function with a negative predictive value of 80%. In summary, the available evidence is currently insufficient to determine the role of this variant in disease. Therefore, it has been classified as a Variant of Uncertain Significance.